The following is an entry in ClinVar:

ClinVar aggregate classification (germline): Uncertain significance. Review status: criteria provided, multiple submitters, no conflicts (2 of 4 stars). 3 submissions from 3 submitters: Uncertain significance (3). Last evaluated 2025-06-29.

Conditions:
Inborn genetic diseases. Identifiers: MedGen C0950123, MeSH D030342.
Amyotrophic lateral sclerosis type 21. Also called: VOCAL CORD AND PHARYNGEAL DYSFUNCTION WITH DISTAL MYOPATHY; MYOPATHY, DISTAL, 2. Identifiers: Orphanet 600, Orphanet 803, MedGen C3807521, MONDO:0011632, OMIM 606070.

Allele frequency attached by ClinVar (database versions not stated): gnomAD exomes below 0.00001; gnomAD 0.00001; TOPMed 0.00001.
gnomAD v4.1: 3 of 1,613,836 alleles (0.00019%); highest among the groups gnomAD compares: Admixed American, 0.0017%; no homozygotes.

Submissions (3):

Labcorp Genetics (formerly Invitae), Labcorp
Classification: Uncertain significance for Amyotrophic lateral sclerosis type 21. Last evaluated: 2025-06-29. Review status: criteria provided, single submitter. Criteria: Invitae Variant Classification Sherloc (09022015). Collection method: clinical testing. Allele origin: germline.
Comment: This sequence change replaces methionine, which is neutral and non-polar, with valine, which is neutral and non-polar, at codon 546 of the MATR3 protein (p.Met546Val). This variant is not present in population databases (gnomAD no frequency). This variant has not been reported in the literature in individuals affected with MATR3-related conditions. ClinVar contains an entry for this variant (Variation ID: 1383033). Invitae Evidence Modeling of protein sequence and biophysical properties (such as structural, functional, and spatial information, amino acid conservation, physicochemical variation, residue mobility, and thermodynamic stability) indicates that this missense variant is not expected to disrupt MATR3 protein function with a negative predictive value of 80%. In summary, the available evidence is currently insufficient to determine the role of this variant in disease. Therefore, it has been classified as a Variant of Uncertain Significance.

Ambry Genetics
Classification: Uncertain significance for Inborn genetic diseases. Last evaluated: 2024-11-10. Review status: criteria provided, single submitter. Criteria: Ambry Variant Classification Scheme 2023. Collection method: clinical testing. Allele origin: germline.

GeneDx
Classification: Uncertain significance. Last evaluated: 2022-06-13. Review status: criteria provided, single submitter. Criteria: GeneDx Variant Classification Process June 2021. Collection method: clinical testing. Allele origin: germline. Affected: yes.
Comment: Not observed at significant frequency in large population cohorts (gnomAD); In silico analysis supports that this missense variant does not alter protein structure/function; Has not been previously published as pathogenic or benign to our knowledge

NM_018834.6(MATR3):c.1636A>G (p.Met546Val)

Gene: MATR3 (matrin 3; plus strand). Cytogenetic location: 5q31.2.
Variant type: single nucleotide variant.
Coding change: c.1636A>G on transcript NM_018834.6 (MANE Select); coding-DNA position 1636, A replaced by G.
Protein change: p.Met546Val; replaces methionine 546 with valine.
Molecular consequence: missense variant.
Genome position (GRCh38, 1-based): chr5:139,321,931, A>G. VCF-style: chr5-139321931-A-G. GRCh37 (hg19) VCF-style: chr5-138657620-A-G.
Other names: c.1636A>G, p.Met546Val (NM_001194954.2, NM_001194955.2, NM_199189.3); c.772A>G, p.Met258Val (NM_001194956.2); c.622A>G, p.Met208Val (NM_001282278.2); short protein forms M258V, M546V, M208V.
Identifiers: ClinVar variation 1383033 (VCV001383033.10), dbSNP rs1412628714, ClinGen allele CA361142733.